The following is an entry in ClinVar:

NM_001077653.2(TBX20):c.1160T>C (p.Leu387Pro)

Gene: TBX20 (T-box transcription factor 20; minus strand). Cytogenetic location: 7p14.2.
Variant type: single nucleotide variant.
Coding change: c.1160T>C on transcript NM_001077653.2 (MANE Select); coding-DNA position 1160, T replaced by C.
Protein change: p.Leu387Pro; replaces leucine 387 with proline.
Molecular consequence: missense variant.
Genome position (GRCh38, 1-based): chr7:35,202,614, A>G on the plus strand (T>C on the coding strand, the complement: TBX20 is on the minus strand). VCF-style: chr7-35202614-A-G. GRCh37 (hg19) VCF-style: chr7-35242226-A-G.
Other names: short protein forms L387P.
Identifiers: ClinVar variation 3365463 (VCV003365463.1).

ClinVar aggregate classification (germline): Uncertain significance (1 of 4 stars; one submission).

Submission:

GeneDx
Classification: Uncertain significance. Last evaluated: 2023-12-13. Review status: criteria provided, single submitter. Criteria: GeneDx Variant Classification Process June 2021. Collection method: clinical testing. Allele origin: germline. Affected: yes.
Comment: Not observed at significant frequency in large population cohorts (gnomAD); In silico analysis supports that this missense variant does not alter protein structure/function; Has not been previously published as pathogenic or benign to our knowledge